The following is an entry in ClinVar:

ClinVar aggregate classification (germline): Uncertain significance (1 of 4 stars; one submission).

Submission:

GeneDx
Classification: Uncertain significance. Last evaluated: 2023-12-14. Review status: criteria provided, single submitter. Criteria: GeneDx Variant Classification Process June 2021. Collection method: clinical testing. Allele origin: germline. Affected: yes.
Comment: Not observed at significant frequency in large population cohorts (gnomAD); In silico analysis supports that this missense variant does not alter protein structure/function; Has not been previously published as pathogenic or benign to our knowledge

NM_001330288.2(SMARCC2):c.1856C>T (p.Pro619Leu)

Gene: SMARCC2 (SWI/SNF related BAF chromatin remodeling complex subunit C2; minus strand). Cytogenetic location: 12q13.2.
Variant type: single nucleotide variant.
Coding change: c.1856C>T on transcript NM_001330288.2 (MANE Select); coding-DNA position 1856, C replaced by T.
Protein change: p.Pro619Leu; replaces proline 619 with leucine.
Molecular consequence: missense variant.
Genome position (GRCh38, 1-based): chr12:56,172,592, G>A on the plus strand (C>T on the coding strand, the complement: SMARCC2 is on the minus strand). VCF-style: chr12-56172592-G-A. GRCh37 (hg19) VCF-style: chr12-56566376-G-A.
Other names: c.1856C>T, p.Pro619Leu (NM_001130420.3, NM_139067.4); c.1763C>T, p.Pro588Leu (NM_003075.5); short protein forms P588L, P619L.
Identifiers: ClinVar variation 3342867 (VCV003342867.1).